The following is an entry in ClinVar:

ClinVar aggregate classification (germline): Pathogenic/Likely pathogenic. Review status: criteria provided, multiple submitters, no conflicts (2 of 4 stars). 2 submissions from 2 submitters: Pathogenic (1); Likely pathogenic (1). Last evaluated 2026-04-14.

Conditions:
Familial intrahepatic cholestasis. Identifiers: Orphanet 284385, MedGen CN296401, MONDO:0017290.
ABCB4-related disorder. Also called: ABCB4-related disorders; ABCB4-related condition.

gnomAD v4.1: 1 of 1,614,004 alleles (0.000062%); no homozygotes.

Submissions (2):

Genomenon, Inc
Classification: Pathogenic for Familial intrahepatic cholestasis. Last evaluated: 2026-04-14. Review status: criteria provided, single submitter. Criteria: Genomenon Sequence Variant Interpretation Standards - Updated. Collection method: curation. Allele origin: germline. Affected: yes.
Comment: ABCB4 c.709-2A>G is a canonical splice variant affecting the acceptor splice site of intron 7. It is predicted to affect mRNA splicing, leading to a deleterious effect on the ABCB4 protein. This variant has been observed in at least one proband with an ABCB4-related disorder (PMID:19261551). At least one splicing study demonstrated this variant results in aberrant splicing (PMID:19261551). It is absent or not present at a significant frequency in gnomAD. In conclusion, we classify ABCB4 c.709-2A>G as a pathogenic variant.

Blueprint Genetics
Classification: Likely pathogenic for ABCB4-related disorders. Last evaluated: 2019-09-25. Review status: criteria provided, single submitter. Criteria: ACMG Guidelines, 2015. Collection method: clinical testing. Allele origin: germline. Affected: yes. Observed: 1 variant allele.

Literature cited by the submitters: PubMed 19261551 (cited by Genomenon, Inc).

NM_000443.4(ABCB4):c.709-2A>G

Gene: ABCB4 (ATP binding cassette subfamily B member 4; minus strand). Cytogenetic location: 7q21.12.
Variant type: single nucleotide variant.
Coding change: c.709-2A>G on transcript NM_000443.4 (MANE Select); the canonical splice acceptor site of the intron before coding-DNA position 709, A replaced by G.
Molecular consequence: splice acceptor variant.
Genome position (GRCh38, 1-based): chr7:87,450,094, T>C on the plus strand (A>G on the coding strand, the complement: ABCB4 is on the minus strand). VCF-style: chr7-87450094-T-C. GRCh37 (hg19) VCF-style: chr7-87079410-T-C.
Other names: c.709-2A>G (NM_018850.3, NM_018849.3).
Identifiers: ClinVar variation 4846374 (VCV004846374.2).